The following is an entry in ClinVar:

NM_003640.5(ELP1):c.2284-2A>G

Gene: ELP1 (elongator acetyltransferase complex subunit 1; minus strand). Cytogenetic location: 9q31.3.
Variant type: single nucleotide variant.
Coding change: c.2284-2A>G on transcript NM_003640.5 (MANE Select); the canonical splice acceptor site of the intron before coding-DNA position 2284, A replaced by G.
Molecular consequence: splice acceptor variant.
Genome position (GRCh38, 1-based): chr9:108,898,583, T>C on the plus strand (A>G on the coding strand, the complement: ELP1 is on the minus strand). VCF-style: chr9-108898583-T-C. GRCh37 (hg19) VCF-style: chr9-111660863-T-C.
Other names: c.1942-2A>G (NM_001318360.2); c.1237-2A>G (NM_001330749.2).
Identifiers: ClinVar variation 4815192 (VCV004815192.1).
Genomic context (GRCh38, chr9:108,898,583, plus strand): 5'-TTAATATGATTCACAGAATCTATCTGTTTAATGAAGGTTTCCACATTTCCAAGAAACACC[T>C]ACCAAAAAAAGGACAAAACATCTTCGTTCAGATCATATTAGTTTAAGTACAAAGTAAGCT-3'

ClinVar aggregate classification (germline): Likely pathogenic (1 of 4 stars; one submission).

Conditions:
Familial dysautonomia. Also called: HSAN III; FD. Identifiers: Orphanet 1764, MedGen C0013364, MONDO:0009131, OMIM 223900. Disease mechanism: loss of function.

Submission:

Natera, Inc.
Classification: Likely pathogenic for Familial dysautonomia. Last evaluated: 2024-04-23. Review status: criteria provided, single submitter. Criteria: Natera Variant Classification Schema (03/2026). Collection method: clinical testing. Allele origin: germline.
Comment: The c.2284-2A>G variant in ELP1 is a canonical splice acceptor site variant predicted to affect pre-mRNA splicing, which may result in an abnormal transcript and altered protein product. This variant is expected to result in nonsense mediated decay, truncation, or a dysfunctional protein product. This variant is rare in the general population with a frequency below the threshold expected for the associated phenotype(s). Given the available evidence, this variant is classified as Likely Pathogenic.